The following is an entry in ClinVar:

ClinVar aggregate classification (germline): Pathogenic (1 of 4 stars; one submission).

Conditions:
Developmental and epileptic encephalopathy, 2 (DEE2). Also called: INFANTILE SPASM SYNDROME, X-LINKED 2; CDKL5 deficiency disorder. Identifiers: Orphanet 1934, Orphanet 3451, Orphanet 505652, MedGen C4750718, MONDO:0010396, OMIM 300672.
Angelman syndrome-like. Identifiers: MedGen CN128785.

Submission:

Labcorp Genetics (formerly Invitae), Labcorp
Classification: Pathogenic for Developmental and epileptic encephalopathy, 2; Angelman syndrome-like. Last evaluated: 2022-10-19. Review status: criteria provided, single submitter. Criteria: Invitae Variant Classification Sherloc (09022015). Collection method: clinical testing. Allele origin: germline.
Comment: This variant has not been reported in the literature in individuals affected with CDKL5-related conditions. For these reasons, this variant has been classified as Pathogenic. This variant is a gross deletion of the genomic region encompassing exon(s) 1-2 of the CDKL5 gene, which includes the initiator codon. This deletion extends beyond the assayed region for this gene and therefore may encompass additional genes. It is expected to result in an absent or disrupted protein product. Loss-of-function variants in CDKL5 are known to be pathogenic (PMID: 22872100).

Literature cited by the submitters: PubMed 22872100.

NC_000023.10:g.(?_17393881)_(18525300_?)del

Genes: BEND2 (BEN domain containing 2; minus strand), CDKL5 (cyclin dependent kinase like 5; plus strand), NHS (NHS actin remodeling regulator; plus strand), RAI2 (retinoic acid induced 2; minus strand), SCML1 (Scm polycomb group protein like 1; plus strand) and 1 more. Cytogenetic location: Xp22.13.
Variant type: Deletion.
Identifiers: ClinVar variation 2424639 (VCV002424639.6).